The following is an entry in ClinVar:

NM_194248.3(OTOF):c.1433G>A (p.Trp478Ter)

Gene: OTOF (otoferlin; minus strand). Cytogenetic location: 2p23.3.
Variant type: single nucleotide variant.
Coding change: c.1433G>A on transcript NM_194248.3 (MANE Select); coding-DNA position 1433, G replaced by A.
Protein change: p.Trp478Ter; replaces tryptophan 478 with a stop codon.
Molecular consequence: nonsense.
Genome position (GRCh38, 1-based): chr2:26,482,552, C>T on the plus strand (G>A on the coding strand, the complement: OTOF is on the minus strand). VCF-style: chr2-26482552-C-T. GRCh37 (hg19) VCF-style: chr2-26705420-C-T.
Other names: c.1433G>A, p.Trp478Ter (NM_001287489.2); short protein forms W478*.
Identifiers: ClinVar variation 2693334 (VCV002693334.3), dbSNP rs2465272871, ClinGen allele CA346135797.
Genomic context (GRCh38, chr2:26,482,552, plus strand): 5'-TGCACCTTCATGCGTTTGCAGAGTGGGGGGAAGAGGTCTGTAAAGACGACCTGCTCATTC[C>T]ACAGGGGCTCATAGCTGCTCTTCTGCACTGAAGTCTTGCCCTGGTGGAAGGGGGAGCACA-3'

ClinVar aggregate classification (germline): Pathogenic (1 of 4 stars; one submission).

Submission:

Labcorp Genetics (formerly Invitae), Labcorp
Classification: Pathogenic. Last evaluated: 2023-06-06. Review status: criteria provided, single submitter. Criteria: Invitae Variant Classification Sherloc (09022015). Collection method: clinical testing. Allele origin: germline.
Comment: For these reasons, this variant has been classified as Pathogenic. This variant has not been reported in the literature in individuals affected with OTOF-related conditions. This variant is not present in population databases (gnomAD no frequency). This sequence change creates a premature translational stop signal (p.Trp478*) in the OTOF gene. It is expected to result in an absent or disrupted protein product. Loss-of-function variants in OTOF are known to be pathogenic (PMID: 18381613, 19250381, 22575033).

Literature cited by the submitters: PubMed 18381613; PubMed 19250381; PubMed 22575033.